The following is an entry in ClinVar:

ClinVar aggregate classification (germline): Benign/Likely benign. Review status: criteria provided, multiple submitters, no conflicts (2 of 4 stars). 3 submissions from 3 submitters: Benign (1); Likely benign (2). Last evaluated 2025-03-17.

Conditions:
Paragangliomas with sensorineural hearing loss. Identifiers: MedGen C1868633.
Pheochromocytoma. Also called: MAX-Related Hereditary Paraganglioma-Pheochromocytoma Syndrome. Identifiers: Orphanet 29072, MedGen C0031511, MONDO:0008233, OMIM 171300, HP:0002666.
Carney-Stratakis syndrome. Also called: PARAGANGLIOMA AND GASTROINTESTINAL STROMAL TUMOR. Identifiers: Orphanet 97286, MedGen C1847319, MONDO:0011740, OMIM 606864.
Cowden syndrome 3 (CWS3). Identifiers: Orphanet 201, MedGen CN166604, MONDO:0014045.
Pheochromocytoma/paraganglioma syndrome 1. Also called: Paragangliomas 1; Glomus tumors familial 1; Paraganglioma - glomus jugulare; PARAGANGLIOMAS, FAMILIAL NONCHROMAFFIN, 1; PGL 1; Paragangliomas familial 1. Identifiers: Orphanet 29072, MedGen C3494181, MONDO:0008192, OMIM 168000.
Hereditary cancer-predisposing syndrome. Also called: Neoplastic Syndromes, Hereditary; Tumor predisposition; Hereditary neoplastic syndrome; Hereditary Cancer Syndrome. Identifiers: Orphanet 140162, MedGen C0027672, MeSH D009386, MONDO:0015356.

Allele frequency attached by ClinVar (database versions not stated): gnomAD exomes below 0.00001.
gnomAD v4.1: 2 of 1,614,092 alleles (0.00012%); highest among the groups gnomAD compares: South Asian, 0.0022%; no homozygotes.

Submissions (3):

Myriad Genetics, Inc.
Classification: Benign for Pheochromocytoma/paraganglioma syndrome 1. Last evaluated: 2025-03-17. Review status: criteria provided, single submitter. Criteria: Myriad Autosomal Dominant, Autosomal Recessive and X-Linked Classification Criteria (2023). Collection method: clinical testing. Allele origin: unknown.
Comment: This variant is considered benign. This variant is a silent/synonymous amino acid change and it is not expected to impact splicing.

Labcorp Genetics (formerly Invitae), Labcorp
Classification: Likely benign for Carney-Stratakis syndrome; Paragangliomas with sensorineural hearing loss; Pheochromocytoma; Cowden syndrome 3. Last evaluated: 2024-02-05. Review status: criteria provided, single submitter. Criteria: Invitae Variant Classification Sherloc (09022015). Collection method: clinical testing. Allele origin: germline.

Ambry Genetics
Classification: Likely benign for Hereditary cancer-predisposing syndrome. Last evaluated: 2020-04-26. Review status: criteria provided, single submitter. Criteria: Ambry Variant Classification Scheme 2023. Collection method: clinical testing. Allele origin: germline.

NM_003002.4(SDHD):c.42A>G (p.Leu14=)

Genes: SDHD (succinate dehydrogenase complex subunit D; plus strand), LOC126861339 (BRD4-independent group 4 enhancer GRCh37_chr11:111957035-111958234; plus strand). Cytogenetic location: 11q23.1.
Variant type: single nucleotide variant.
Coding change: c.42A>G on transcript NM_003002.4 (MANE Select); coding-DNA position 42, A replaced by G.
Protein change: p.Leu14=; no amino-acid change (leucine 14 retained).
Molecular consequence: synonymous variant. On other transcripts: non-coding transcript variant (1).
Genome position (GRCh38, 1-based): chr11:112,086,949, A>G. VCF-style: chr11-112086949-A-G. GRCh37 (hg19) VCF-style: chr11-111957673-A-G.
Other names: c.42A>G, p.Leu14= (NM_001276503.2, NM_001276504.2, NM_001276506.2).
Identifiers: ClinVar variation 239469 (VCV000239469.14), dbSNP rs878854593, ClinGen allele CA10582866.